The following is an entry in ClinVar:

ClinVar aggregate classification (germline): Uncertain significance. Review status: criteria provided, multiple submitters, no conflicts (2 of 4 stars). 2 submissions from 2 submitters: Uncertain significance (2). Last evaluated 2025-03-19.

Conditions:
IYD-related disorder. Also called: IYD-related condition.

Submissions (2):

PreventionGenetics, part of Exact Sciences
Classification: Uncertain significance for IYD-related condition. Last evaluated: 2025-03-19. Review status: criteria provided, single submitter. Criteria: ACMG Guidelines, 2015. Collection method: clinical testing. Allele origin: germline.
Comment: The IYD c.812G>C variant is predicted to result in the amino acid substitution p.Gly271Ala. To our knowledge, this variant has not been reported in the literature. This variant is reported in 0.0062% of alleles in individuals of African descent in gnomAD. At this time, the clinical significance of this variant is uncertain due to the absence of conclusive functional and genetic evidence.

Ambry Genetics
Classification: Uncertain significance. Last evaluated: 2024-04-01. Review status: criteria provided, single submitter. Criteria: Ambry Variant Classification Scheme 2023. Collection method: clinical testing. Allele origin: germline.

NM_203395.3(IYD):c.700G>C (p.Val234Leu)

Gene: IYD (iodotyrosine deiodinase; plus strand). Cytogenetic location: 6q25.1.
Variant type: single nucleotide variant.
Coding change: c.700G>C on transcript NM_203395.3 (MANE Select); coding-DNA position 700, G replaced by C.
Protein change: p.Val234Leu; replaces valine 234 with leucine.
Molecular consequence: missense variant. On other transcripts: non-coding transcript variant (1), 3 prime UTR variant (1).
Genome position (GRCh38, 1-based): chr6:150,398,067, G>C. VCF-style: chr6-150398067-G-C. GRCh37 (hg19) VCF-style: chr6-150719203-G-C.
Other names: c.454G>C, p.Val152Leu (NM_001318495.2); c.812G>C (NM_001164694.1); c.812G>C, p.Gly271Ala (NM_001164694.2); c.*17G>C (NM_001164695.2); short protein forms G271A, V152L, V234L.
Identifiers: ClinVar variation 3287087 (VCV003287087.2).